The following is an entry in ClinVar:

NM_001048174.2(MUTYH):c.1000G>A (p.Ala334Thr)

Gene: MUTYH (mutY DNA glycosylase; minus strand). Cytogenetic location: 1p34.1.
Variant type: single nucleotide variant.
Coding change: c.1000G>A on transcript NM_001048174.2 (MANE Select); coding-DNA position 1000, G replaced by A.
Protein change: p.Ala334Thr; replaces alanine 334 with threonine.
Molecular consequence: missense variant. On other transcripts: non-coding transcript variant (2).
Genome position (GRCh38, 1-based): chr1:45,331,763, C>T on the plus strand (G>A on the coding strand, the complement: MUTYH is on the minus strand). VCF-style: chr1-45331763-C-T. GRCh37 (hg19) VCF-style: chr1-45797435-C-T.
Other names: c.1000G>A, p.Ala334Thr (NM_001048171.2, NM_001048173.2, NM_001293195.2); c.1003G>A, p.Ala335Thr (NM_001048172.2); c.1084G>A, p.Ala362Thr (NM_001128425.2); c.1045G>A, p.Ala349Thr (NM_001293190.2); c.1033G>A, p.Ala345Thr (NM_001293191.2); c.724G>A, p.Ala242Thr (NM_001293192.2, NM_001293196.2); c.655G>A, p.Ala219Thr (NM_001350650.2, NM_001350651.2); c.1075G>A, p.Ala359Thr (NM_012222.3); short protein forms A359T, A362T, A219T, A242T, A345T, A349T, A334T, A335T.
Identifiers: ClinVar variation 659429 (VCV000659429.17), dbSNP rs1570385510, ClinGen allele CA340133630.

ClinVar aggregate classification (germline): Conflicting classifications of pathogenicity. Review status: criteria provided, conflicting classifications (1 of 4 stars). 3 submissions from 3 submitters: Uncertain significance (2); Benign (1). Last evaluated 2025-09-09.

Conditions:
Familial adenomatous polyposis 2. Also called: COLORECTAL ADENOMATOUS POLYPOSIS, AUTOSOMAL RECESSIVE; ADENOMAS, MULTIPLE COLORECTAL, AUTOSOMAL RECESSIVE; MYH-associated polyposis; MUTYH Polyposis; Adenomas, multiple colorectal; MUTYH-associated polyposis. Identifiers: Orphanet 220460, Orphanet 247798, MedGen C3272841, MONDO:0012041, OMIM 608456.
Hereditary cancer-predisposing syndrome. Also called: Tumor predisposition; Neoplastic Syndromes, Hereditary; Hereditary Cancer Syndrome; Hereditary neoplastic syndrome. Identifiers: Orphanet 140162, MedGen C0027672, MeSH D009386, MONDO:0015356.

Allele frequency attached by ClinVar (database versions not stated): gnomAD exomes below 0.00001.
gnomAD v4.1: 1 of 1,613,900 alleles (0.000062%); highest among the groups gnomAD compares: African/African-American, 0.0013%; no homozygotes.

Submissions (3):

Ambry Genetics
Classification: Benign for Hereditary cancer-predisposing syndrome. Last evaluated: 2025-09-09. Review status: criteria provided, single submitter. Criteria: Ambry Variant Classification Scheme 2023. Collection method: clinical testing. Allele origin: germline.

Labcorp Genetics (formerly Invitae), Labcorp
Classification: Uncertain significance for Familial adenomatous polyposis 2. Last evaluated: 2024-08-28. Review status: criteria provided, single submitter. Criteria: Invitae Variant Classification Sherloc (09022015). Collection method: clinical testing. Allele origin: germline.
Comment: This sequence change replaces alanine, which is neutral and non-polar, with threonine, which is neutral and polar, at codon 362 of the MUTYH protein (p.Ala362Thr). This variant is not present in population databases (gnomAD no frequency). This variant has not been reported in the literature in individuals affected with MUTYH-related conditions. ClinVar contains an entry for this variant (Variation ID: 659429). An algorithm developed to predict the effect of missense changes on protein structure and function (PolyPhen-2) suggests that this variant is likely to be tolerated. In summary, the available evidence is currently insufficient to determine the role of this variant in disease. Therefore, it has been classified as a Variant of Uncertain Significance.

Quest Diagnostics Nichols Institute San Juan Capistrano
Classification: Uncertain significance. Last evaluated: 2024-01-15. Review status: criteria provided, single submitter. Criteria: Quest Diagnostics criteria. Collection method: clinical testing. Allele origin: unknown.
Comment: The MUTYH c.1084G>A (p.Ala362Thr) variant has not been reported in individuals with MUTYH-related conditions in the published literature. It also has not been reported in large, multi-ethnic general populations (Genome Aggregation Database). Analysis of this variant using bioinformatics tools for the prediction of the effect of amino acid changes on protein structure and function yielded predictions that this variant is benign. Based on the available information, we are unable to determine the clinical significance of this variant.

Literature cited by the submitters: PubMed 40738107 (cited by Ambry Genetics).